The following is an entry in ClinVar:

NM_020937.4(FANCM):c.1409C>T (p.Thr470Ile)

Gene: FANCM (FA complementation group M; plus strand). Cytogenetic location: 14q21.2.
Variant type: single nucleotide variant.
Coding change: c.1409C>T on transcript NM_020937.4 (MANE Select); coding-DNA position 1409, C replaced by T.
Protein change: p.Thr470Ile; replaces threonine 470 with isoleucine.
Molecular consequence: missense variant.
Genome position (GRCh38, 1-based): chr14:45,159,108, C>T. VCF-style: chr14-45159108-C-T. GRCh37 (hg19) VCF-style: chr14-45628311-C-T.
Other names: c.1331C>T, p.Thr444Ile (NM_001308133.2); c.1409C>T, p.Thr470Ile (NM_001308134.2); short protein forms T444I, T470I.
Identifiers: ClinVar variation 3848652 (VCV003848652.1).

ClinVar aggregate classification (germline): Uncertain significance (1 of 4 stars; one submission).

Conditions:
Inborn genetic diseases. Identifiers: MedGen C0950123, MeSH D030342.

Submission:

Ambry Genetics
Classification: Uncertain significance for Inborn genetic diseases. Last evaluated: 2025-01-23. Review status: criteria provided, single submitter. Criteria: Ambry Variant Classification Scheme 2023. Collection method: clinical testing. Allele origin: germline.
Comment: The p.T470I variant (also known as c.1409C>T), located in coding exon 9 of the FANCM gene, results from a C to T substitution at nucleotide position 1409. The threonine at codon 470 is replaced by isoleucine, an amino acid with similar properties. This amino acid position is conserved. In addition, this alteration is predicted to be tolerated by in silico analysis. Based on the available evidence, the clinical significance of this variant remains unclear.